The following is an entry in ClinVar:

ClinVar aggregate classification (germline): Pathogenic (1 of 4 stars; one submission).

Conditions:
Hereditary cancer-predisposing syndrome. Also called: Neoplastic Syndromes, Hereditary; Hereditary Cancer Syndrome; Tumor predisposition; Hereditary neoplastic syndrome. Identifiers: Orphanet 140162, MedGen C0027672, MeSH D009386, MONDO:0015356.

Submission:

Ambry Genetics
Classification: Pathogenic for Hereditary cancer-predisposing syndrome. Last evaluated: 2025-03-12. Review status: criteria provided, single submitter. Criteria: Ambry Variant Classification Scheme 2023. Collection method: clinical testing. Allele origin: germline.
Comment: The c.709_713delGAACCinsTATATATA pathogenic mutation, located in coding exon 7 of the RB1 gene, results from an in-frame deletion of GAACC and insertion of TATATATA at nucleotide positions 709 to 713. This results in the deletion of 2 residues (EP) and insertion of 2 new residues (YI) and introduces a premature stop codon between codons 237 and 238 (p.E237_P238delinsYI*) in coding exon 7. This variant was reported in individual(s) with features consistent with RB1-related hereditary retinoblastoma (Ambry internal data). This variant is considered to be rare based on population cohorts in the Genome Aggregation Database (gnomAD). This alteration is expected to result in loss of function by premature protein truncation or nonsense-mediated mRNA decay. As such, this alteration is interpreted as a disease-causing mutation.

NM_000321.3(RB1):c.709_713delinsTATATATA (p.Glu237_Pro238delinsTyrIleTer)

Gene: RB1 (RB transcriptional corepressor 1; plus strand). Cytogenetic location: 13q14.2.
Variant type: Indel.
Coding change: c.709_713delinsTATATATA on transcript NM_000321.3 (MANE Select); coding-DNA positions 709 to 713, GAACC replaced by TATATATA.
Protein change: p.Glu237_Pro238delinsTyrIleTer.
Molecular consequence: nonsense.
Genome position (GRCh38, 1-based): chr13:48,360,118-48,360,122, GAACC replaced by TATATATA. VCF-style: chr13-48360118-GAACC-TATATATA. GRCh37 (hg19) VCF-style: chr13-48934254-GAACC-TATATATA.
Other names: c.709_713delinsTATATATA, p.Glu237_Pro238delinsTyrIleTer (NM_001407165.1, NM_001407166.1).
Identifiers: ClinVar variation 3787287 (VCV003787287.1).